The following is an entry in ClinVar:

ClinVar aggregate classification (germline): Uncertain significance (1 of 4 stars; one submission).

gnomAD v4.1: 7 of 1,613,734 alleles (0.00043%); highest among the groups gnomAD compares: South Asian, 0.0055%; no homozygotes.

Submission:

Labcorp Genetics (formerly Invitae), Labcorp
Classification: Uncertain significance. Last evaluated: 2025-10-09. Review status: criteria provided, single submitter. Criteria: Invitae Variant Classification Sherloc (09022015). Collection method: clinical testing. Allele origin: germline.
Comment: This sequence change replaces histidine, which is basic and polar, with glutamine, which is neutral and polar, at codon 1095 of the AP3D1 protein (p.His1095Gln). This variant is present in population databases (rs773829362, gnomAD 0.006%). This variant has not been reported in the literature in individuals affected with AP3D1-related conditions. An algorithm developed to predict the effect of missense changes on protein structure and function outputs the following: PolyPhen-2: "Benign". The glutamine amino acid residue is found in multiple mammalian species, which suggests that this missense change does not adversely affect protein function. In summary, the available evidence is currently insufficient to determine the role of this variant in disease. Therefore, it has been classified as a Variant of Uncertain Significance.

NM_001261826.3(AP3D1):c.3285C>G (p.His1095Gln)

Gene: AP3D1 (adaptor related protein complex 3 subunit delta 1; minus strand). Cytogenetic location: 19p13.3.
Variant type: single nucleotide variant.
Coding change: c.3285C>G on transcript NM_001261826.3 (MANE Select); coding-DNA position 3285, C replaced by G.
Protein change: p.His1095Gln; replaces histidine 1095 with glutamine.
Molecular consequence: missense variant.
Genome position (GRCh38, 1-based): chr19:2,109,938, G>C on the plus strand (C>G on the coding strand, the complement: AP3D1 is on the minus strand). VCF-style: chr19-2109938-G-C. GRCh37 (hg19) VCF-style: chr19-2109937-G-C.
Other names: c.3249C>G, p.His1083Gln (NM_001374799.1); c.3099C>G, p.His1033Gln (NM_003938.8); short protein forms H1083Q, H1033Q, H1095Q.
Identifiers: ClinVar variation 4702459 (VCV004702459.1).
Genomic context (GRCh38, chr19:2,109,938, plus strand): 5'-GCAGGGAGTGGTGATCAAGTAGGAGCTGCAGCTGAAGTGCAGCCTGAAGTCCAGCTTCTC[G>C]TGGGTCGCACCCTCGTCATTCTGCGGTGGAGTGAAGGTGGTGCAGTTGAGAGGGGAGTCG-3'
Protein context (NP_001248755.1, residues 1085-1105): FIAKNDEGAT[His1095Gln]EKLDFRLHFS